The following is an entry in ClinVar:

ClinVar aggregate classification (germline): Uncertain significance. Review status: criteria provided, multiple submitters, no conflicts (2 of 4 stars). 2 submissions from 2 submitters: Uncertain significance (2). Last evaluated 2024-10-17.

Conditions:
Dystonic disorder. Also called: Dystonia. Identifiers: MedGen C0013421, MONDO:0003441, HP:0001332.

Submissions (2):

GeneDx
Classification: Uncertain significance. Last evaluated: 2024-10-17. Review status: criteria provided, single submitter. Criteria: GeneDx Variant Classification Process June 2021. Collection method: clinical testing. Allele origin: germline. Affected: yes.
Comment: In silico analysis indicates that this missense variant does not alter protein structure/function; Has not been previously published as pathogenic or benign to our knowledge

Labcorp Genetics (formerly Invitae), Labcorp
Classification: Uncertain significance for Dystonic disorder. Last evaluated: 2024-01-11. Review status: criteria provided, single submitter. Criteria: Invitae Variant Classification Sherloc (09022015). Collection method: clinical testing. Allele origin: germline.
Comment: This sequence change replaces lysine, which is basic and polar, with asparagine, which is neutral and polar, at codon 248 of the TOR1A protein (p.Lys248Asn). This variant is present in population databases (no rsID available, gnomAD 0.01%). This variant has not been reported in the literature in individuals affected with TOR1A-related conditions. An algorithm developed to predict the effect of missense changes on protein structure and function (PolyPhen-2) suggests that this variant is likely to be tolerated. In summary, the available evidence is currently insufficient to determine the role of this variant in disease. Therefore, it has been classified as a Variant of Uncertain Significance.

NM_000113.3(TOR1A):c.744G>T (p.Lys248Asn)

Gene: TOR1A (torsin family 1 member A; minus strand). Cytogenetic location: 9q34.11.
Variant type: single nucleotide variant.
Coding change: c.744G>T on transcript NM_000113.3 (MANE Select); coding-DNA position 744, G replaced by T.
Protein change: p.Lys248Asn; replaces lysine 248 with asparagine.
Molecular consequence: missense variant.
Genome position (GRCh38, 1-based): chr9:129,818,524, C>A on the plus strand (G>T on the coding strand, the complement: TOR1A is on the minus strand). VCF-style: chr9-129818524-C-A. GRCh37 (hg19) VCF-style: chr9-132580803-C-A.
Other names: c.744G>T (NM_000113.2); short protein forms K248N.
Identifiers: ClinVar variation 2771958 (VCV002771958.4), dbSNP rs753511091, ClinGen allele CA5278566.